The following is an entry in ClinVar:

NM_001963.6(EGF):c.3068G>A (p.Arg1023His)

Gene: EGF (epidermal growth factor; plus strand). Cytogenetic location: 4q25.
Variant type: single nucleotide variant.
Coding change: c.3068G>A on transcript NM_001963.6 (MANE Select); coding-DNA position 3068, G replaced by A.
Protein change: p.Arg1023His; replaces arginine 1023 with histidine.
Molecular consequence: missense variant.
Genome position (GRCh38, 1-based): chr4:109,999,741, G>A. VCF-style: chr4-109999741-G-A. GRCh37 (hg19) VCF-style: chr4-110920897-G-A.
Other names: c.2942G>A, p.Arg981His (NM_001178131.3); c.2699G>A, p.Arg900His (NM_001357021.2); c.2945G>A, p.Arg982His (NM_001178130.3); short protein forms R981H, R982H, R1023H, R900H.
Identifiers: ClinVar variation 2982686 (VCV002982686.3), dbSNP rs780719136, ClinGen allele CA3044164.
Genomic context (GRCh38, chr4:109,999,741, plus strand): 5'-GTGTTGTTGGCTACATCGGGGAGCGATGTCAGTACCGAGACCTGAAGTGGTGGGAACTGC[G>A]CCACGCTGGCCACGGGCAGCAGCAGAAGGTCATCGTGGTGGCTGTCTGCGTGGTGGTGCT-3'
Protein context (NP_001954.2, residues 1013-1033): QYRDLKWWEL[Arg1023His]HAGHGQQQKV

ClinVar aggregate classification (germline): Uncertain significance (1 of 4 stars; one submission).

Allele frequency attached by ClinVar (database versions not stated): TOPMed below 0.00001; ExAC 0.00002; gnomAD exomes 0.00003.
gnomAD v4.1: 39 of 1,613,910 alleles (0.0024%); highest among the groups gnomAD compares: Middle Eastern, 0.016%; no homozygotes.

Submission:

Labcorp Genetics (formerly Invitae), Labcorp
Classification: Uncertain significance. Last evaluated: 2024-10-31. Review status: criteria provided, single submitter. Criteria: Invitae Variant Classification Sherloc (09022015). Collection method: clinical testing. Allele origin: germline.
Comment: This sequence change replaces arginine, which is basic and polar, with histidine, which is basic and polar, at codon 1023 of the EGF protein (p.Arg1023His). This variant is present in population databases (rs780719136, gnomAD 0.003%). This variant has not been reported in the literature in individuals affected with EGF-related conditions. ClinVar contains an entry for this variant (Variation ID: 2982686). An algorithm developed to predict the effect of missense changes on protein structure and function outputs the following: PolyPhen-2: "Benign". The histidine amino acid residue is found in multiple mammalian species, which suggests that this missense change does not adversely affect protein function. In summary, the available evidence is currently insufficient to determine the role of this variant in disease. Therefore, it has been classified as a Variant of Uncertain Significance.